The following is an entry in ClinVar:

NM_000479.5(AMH):c.466G>A (p.Ala156Thr)

Gene: AMH (anti-Mullerian hormone; plus strand). Cytogenetic location: 19p13.3.
Variant type: single nucleotide variant.
Coding change: c.466G>A on transcript NM_000479.5 (MANE Select); coding-DNA position 466, G replaced by A.
Protein change: p.Ala156Thr; replaces alanine 156 with threonine.
Molecular consequence: missense variant.
Genome position (GRCh38, 1-based): chr19:2,250,390, G>A. VCF-style: chr19-2250390-G-A. GRCh37 (hg19) VCF-style: chr19-2250389-G-A.
Other names: short protein forms A156T.
Identifiers: ClinVar variation 2506201 (VCV002506201.3), dbSNP rs374588581, ClinGen allele CA9062873.
Genomic context (GRCh38, chr19:2,250,390, plus strand): 5'-GCTGCAGTGACCTGGGAGCCAACACCCTCGCTGAGGTTCCAGGAGCCCCCGCCTGGAGGA[G>A]CTGGCCCCCCAGAGCTGGCGCTGCTGGTGCTGTACCCTGGGCCTGGCCCTGAGGTCACTG-3'
Protein context (NP_000470.3, residues 146-166): LRFQEPPPGG[Ala156Thr]GPPELALLVL

ClinVar aggregate classification (germline): Conflicting classifications of pathogenicity. Review status: criteria provided, conflicting classifications (1 of 4 stars). 2 submissions from 2 submitters: Uncertain significance (1); Benign (1). Last evaluated 2025-12-14.

Allele frequency attached by ClinVar (database versions not stated): ESP Exome Variant Server 0.00031; gnomAD exomes 0.00017; ExAC 0.00074; gnomAD 0.00020.

Submissions (2):

Labcorp Genetics (formerly Invitae), Labcorp
Classification: Benign. Last evaluated: 2025-12-14. Review status: criteria provided, single submitter. Criteria: Invitae Variant Classification Sherloc (09022015). Collection method: clinical testing. Allele origin: germline.

Women's Health and Genetics/Laboratory Corporation of America, LabCorp
Classification: Uncertain significance. Last evaluated: 2023-05-23. Review status: criteria provided, single submitter. Criteria: LabCorp Variant Classification Summary - May 2015. Collection method: clinical testing. Allele origin: germline.
Comment: Variant summary: AMH c.466G>A (p.Ala156Thr) results in a non-conservative amino acid change located in the Anti-Mullerian hormone, N-terminal domain (IPR006799) of the encoded protein sequence. Four of five in-silico tools predict a benign effect of the variant on protein function. The variant allele was found at a frequency of 0.00039 in 200874 control chromosomes (gnomAD). c.466G>A has been reported in the literature in an individual affected with Polycystic ovary syndrome with a non-informative genotype (example: Gorsic_2017). These report(s) do not provide unequivocal conclusions about association of the variant with Persistent Mullerian duct syndrome. At least one publication reports experimental evidence evaluating an impact on protein function. The most pronounced variant effect results in 10%-<30% of normal activity (Gorsic_2017). The following publications have been ascertained in the context of this evaluation (PMID: 28505284, 30786001). No clinical diagnostic laboratories have submitted clinical-significance assessments for this variant to ClinVar after 2014. Based on the evidence outlined above, the variant was classified as VUS-possibly pathogenic.

Literature cited by the submitters: PubMed 28505284 (cited by Women's Health and Genetics/Laboratory Corporation of America, LabCorp); PubMed 30786001 (cited by Women's Health and Genetics/Laboratory Corporation of America, LabCorp).